The following is an entry in ClinVar:

ClinVar aggregate classification (germline): Conflicting classifications of pathogenicity. Review status: criteria provided, conflicting classifications (1 of 4 stars). 3 submissions from 3 submitters: Uncertain significance (1); Likely benign (2). Last evaluated 2025-01-10.

Allele frequency attached by ClinVar (database versions not stated): TOPMed below 0.00001.

Submissions (3):

Quest Diagnostics Nichols Institute San Juan Capistrano
Classification: Uncertain significance. Last evaluated: 2025-01-10. Review status: criteria provided, single submitter. Criteria: Quest Diagnostics criteria. Collection method: clinical testing. Allele origin: unknown.
Comment: The HBB c.316-141G>A variant has not been reported in individuals with HBB-related conditions in the published literature. It also has not been reported in large, multi-ethnic general populations (Genome Aggregation Database). Analysis of this variant using software algorithms for the prediction of the effect of nucleotide changes on splicing yielded predictions that this variant does not affect HBB mRNA splicing. Based on the available information, we are unable to determine the clinical significance of this variant.

Women's Health and Genetics/Laboratory Corporation of America, LabCorp
Classification: Likely benign. Last evaluated: 2024-12-12. Review status: criteria provided, single submitter. Criteria: LabCorp Variant Classification Summary - May 2015. Collection method: clinical testing. Allele origin: germline.

Labcorp Genetics (formerly Invitae), Labcorp
Classification: Likely benign. Last evaluated: 2021-06-23. Review status: criteria provided, single submitter. Criteria: Invitae Variant Classification Sherloc (09022015). Collection method: clinical testing. Allele origin: germline.

NM_000518.5(HBB):c.316-141G>A

Genes: HBB (hemoglobin subunit beta; minus strand), LOC107133510 (origin of replication at HBB; plus strand), LOC110006319 (beta-globin gene 3' regulatory region; plus strand). Cytogenetic location: 11p15.4.
Variant type: single nucleotide variant.
Coding change: c.316-141G>A on transcript NM_000518.5 (MANE Select); 141 bases into the intron before coding-DNA position 316, G replaced by A.
Molecular consequence: intron variant.
Genome position (GRCh38, 1-based): chr11:5,225,867, C>T on the plus strand (G>A on the coding strand, the complement: HBB is on the minus strand). VCF-style: chr11-5225867-C-T. GRCh37 (hg19) VCF-style: chr11-5247097-C-T.
Other names: c.316-141G>A (NM_000518.4).
Identifiers: ClinVar variation 1568000 (VCV001568000.10), dbSNP rs1011427406, ClinGen allele CA217112988.